The following is an entry in ClinVar:

NM_001384732.1(CPLANE1):c.3812-1G>A

Gene: CPLANE1 (ciliogenesis and planar polarity effector complex subunit 1; minus strand). Cytogenetic location: 5p13.2.
Variant type: single nucleotide variant.
Coding change: c.3812-1G>A on transcript NM_001384732.1 (MANE Select); the canonical splice acceptor site of the intron before coding-DNA position 3812, G replaced by A.
Molecular consequence: splice acceptor variant.
Genome position (GRCh38, 1-based): chr5:37,187,843, C>T on the plus strand (G>A on the coding strand, the complement: CPLANE1 is on the minus strand). VCF-style: chr5-37187843-C-T. GRCh37 (hg19) VCF-style: chr5-37187945-C-T.
Other names: c.3812-1G>A (NM_023073.4).
Identifiers: ClinVar variation 1067591 (VCV001067591.7), dbSNP rs1244656046, ClinGen allele CA359507660.
Genomic context (GRCh38, chr5:37,187,843, plus strand): 5'-AGGATAACTTATCACGGACATGCAGCATCCAACACAGAGCACAAAGTTCTCTGAAGCAAC[C>T]TAAAGCAGGAACACAAATATGAAAGAAAATCACATGAGTATGTACATTAATATTATAACA-3'

ClinVar aggregate classification (germline): Likely pathogenic (1 of 4 stars; one submission).

Allele frequency attached by ClinVar (database versions not stated): TOPMed 0.00001; gnomAD 0.00002.
gnomAD v4.1: 4 of 1,608,686 alleles (0.00025%); highest among the groups gnomAD compares: African/African-American, 0.0054%; no homozygotes.

Submission:

Labcorp Genetics (formerly Invitae), Labcorp
Classification: Likely pathogenic. Last evaluated: 2022-06-13. Review status: criteria provided, single submitter. Criteria: Invitae Variant Classification Sherloc (09022015). Collection method: clinical testing. Allele origin: germline.
Comment: This sequence change affects an acceptor splice site in intron 21 of the CPLANE1 gene. It is expected to disrupt RNA splicing. Variants that disrupt the donor or acceptor splice site typically lead to a loss of protein function (PMID: 16199547), and loss-of-function variants in CPLANE1 are known to be pathogenic (PMID: 24178751, 26092869). This variant is present in population databases (no rsID available, gnomAD 0.01%). In summary, the currently available evidence indicates that the variant is pathogenic, but additional data are needed to prove that conclusively. Therefore, this variant has been classified as Likely Pathogenic. Algorithms developed to predict the effect of sequence changes on RNA splicing suggest that this variant may disrupt the consensus splice site. ClinVar contains an entry for this variant (Variation ID: 1067591). This variant has not been reported in the literature in individuals affected with CPLANE1-related conditions.

Literature cited by the submitters: PubMed 16199547; PubMed 24178751; PubMed 26092869.